The following is an entry in ClinVar:

ClinVar aggregate classification (germline): Uncertain significance (1 of 4 stars; one submission).

Conditions:
Glycine encephalopathy. Also called: Nonketotic hyperglycinemia; Non-ketotic hyperglycinemia. Identifiers: Orphanet 407, MedGen C0751748, MONDO:0011612, HP:0008288.

Allele frequency attached by ClinVar (database versions not stated): TOPMed below 0.00001.

Submission:

Labcorp Genetics (formerly Invitae), Labcorp
Classification: Uncertain significance for Glycine encephalopathy. Last evaluated: 2020-02-17. Review status: criteria provided, single submitter. Criteria: Invitae Variant Classification Sherloc (09022015). Collection method: clinical testing. Allele origin: germline.
Comment: This sequence change affects codon 141 of the GCSH mRNA. It is a 'silent' change, meaning that it does not change the encoded amino acid sequence of the GCSH protein. This variant is not present in population databases (ExAC no frequency). This variant has not been reported in the literature in individuals with GCSH-related conditions. Algorithms developed to predict the effect of sequence changes on RNA splicing suggest that this variant is not likely to affect RNA splicing, but this prediction has not been confirmed by published transcriptional studies. In summary, the available evidence is currently insufficient to determine the role of this variant in disease. Therefore, it has been classified as a Variant of Uncertain Significance.

NM_004483.5(GCSH):c.423T>C (p.Asp141=)

Gene: GCSH (glycine cleavage system protein H; minus strand). Cytogenetic location: 16q23.2.
Variant type: single nucleotide variant.
Coding change: c.423T>C on transcript NM_004483.5 (MANE Select); coding-DNA position 423, T replaced by C.
Protein change: p.Asp141=; no amino-acid change (aspartic acid 141 retained).
Molecular consequence: synonymous variant. On other transcripts: non-coding transcript variant (1).
Genome position (GRCh38, 1-based): chr16:81,084,464, A>G on the plus strand (T>C on the coding strand, the complement: GCSH is on the minus strand). VCF-style: chr16-81084464-A-G. GRCh37 (hg19) VCF-style: chr16-81118069-A-G.
Identifiers: ClinVar variation 852075 (VCV000852075.10), dbSNP rs749405278, ClinGen allele CA496442211.